The following is an entry in ClinVar:

NM_000081.4(LYST):c.6588A>G (p.Gly2196=)

Gene: LYST (lysosomal trafficking regulator; minus strand). Cytogenetic location: 1q42.3.
Variant type: single nucleotide variant.
Coding change: c.6588A>G on transcript NM_000081.4 (MANE Select); coding-DNA position 6588, A replaced by G.
Protein change: p.Gly2196=; no amino-acid change (glycine 2196 retained).
Molecular consequence: synonymous variant.
Genome position (GRCh38, 1-based): chr1:235,759,265, T>C on the plus strand (A>G on the coding strand, the complement: LYST is on the minus strand). VCF-style: chr1-235759265-T-C. GRCh37 (hg19) VCF-style: chr1-235922565-T-C.
Other names: p.Gly2196=; c.6588A>G, p.Gly2196= (NM_001301365.1).
Identifiers: ClinVar variation 704825 (VCV000704825.38), dbSNP rs34423788, ClinGen allele CA1466347.
Genomic context (GRCh38, chr1:235,759,265, plus strand): 5'-GTCATCTTCTGACCTGGGTTCTGCTCCCAACTGTTTATGATCTGCTTTGACCACTGGAAA[T>C]CCCAGCACTCCCTTTGGGACATCACTGACAGAGACCTGGGCTGAGAGGACAGCTTCCATT-3'
Protein context (NP_000072.2, residues 2186-2206): SVSDVPKGVL[Gly2196=]FPVVKADHKQ

ClinVar aggregate classification (germline): Benign/Likely benign. Review status: criteria provided, multiple submitters, no conflicts (2 of 4 stars). 6 submissions from 6 submitters: Benign (1); Likely benign (3). 2 of the submissions do not count toward it. Last evaluated 2026-01-20.

Conditions:
Chédiak-Higashi syndrome (CHS). Also called: Chediak-Higashi Syndrome. Identifiers: Orphanet 167, MedGen C0007965, MONDO:0008963, OMIM 214500.

Allele frequency attached by ClinVar (database versions not stated): gnomAD exomes 0.00024; ExAC 0.00025; 1000 Genomes Project 30x 0.00047; 1000 Genomes Project 0.00060; ESP Exome Variant Server 0.00077; gnomAD 0.00086 and 0.00093; TOPMed 0.00090.
gnomAD v4.1: 316 of 1,614,142 alleles (0.02%); highest among the groups gnomAD compares: African/African-American, 0.31%; no homozygotes.

Submissions (6):

Labcorp Genetics (formerly Invitae), Labcorp
Classification: Benign for Chédiak-Higashi syndrome. Last evaluated: 2026-01-20. Review status: criteria provided, single submitter. Criteria: Invitae Variant Classification Sherloc (09022015). Collection method: clinical testing. Allele origin: germline.

Mayo Clinic Laboratories, Mayo Clinic
Classification: Likely benign. Last evaluated: 2025-06-05. Review status: criteria provided, single submitter. Criteria: ACMG Guidelines, 2015. Collection method: clinical testing. Allele origin: germline. Observed: 4 variant alleles.
Comment: BS1, BP4, BP7

Blueprint Genetics
Classification: Likely benign. Last evaluated: 2024-05-16. Review status: criteria provided, single submitter. Criteria: ACMG Guidelines, 2015. Collection method: clinical testing. Allele origin: germline.

CeGaT Center for Human Genetics Tuebingen
Classification: Likely benign. Last evaluated: 2022-04-01. Review status: criteria provided, single submitter. Criteria: CeGaT Center For Human Genetics Tuebingen Variant Classification Criteria Version 2. Collection method: clinical testing. Allele origin: germline. Affected: yes. Observed: 1 variant allele.
Comment: LYST: BP4, BP7

Clinical Genetics DNA and cytogenetics Diagnostics Lab, Erasmus MC, Erasmus Medical Center
Classification: Likely benign. Review status: no assertion criteria provided. Collection method: clinical testing. Allele origin: germline. Affected: yes. Study: VKGL Data-share Consensus. Not counted in ClinVar's aggregate classification.

Clinical Genetics, Academic Medical Center
Classification: Benign. Review status: no assertion criteria provided. Collection method: clinical testing. Allele origin: germline. Affected: yes. Study: VKGL Data-share Consensus. Not counted in ClinVar's aggregate classification.